The following is an entry in ClinVar:

ClinVar aggregate classification (germline): Uncertain significance. Review status: criteria provided, multiple submitters, no conflicts (2 of 4 stars). 3 submissions from 3 submitters: Uncertain significance (3). Last evaluated 2023-05-15.

Conditions:
Inborn genetic diseases. Identifiers: MedGen C0950123, MeSH D030342.
Congenital myasthenic syndrome 5. Identifiers: Orphanet 590, MedGen C1864233, MONDO:0011281, OMIM 603034.

Allele frequency attached by ClinVar (database versions not stated): gnomAD 0.00004; gnomAD exomes 0.00004 and 0.00006; ExAC 0.00008; ESP Exome Variant Server 0.00008; TOPMed 0.00008.
gnomAD v4.1: 98 of 1,614,044 alleles (0.0061%); highest among the groups gnomAD compares: Middle Eastern, 0.016%; no homozygotes.

Submissions (3):

Ambry Genetics
Classification: Uncertain significance for Inborn genetic diseases. Last evaluated: 2023-05-15. Review status: criteria provided, single submitter. Criteria: Ambry Variant Classification Scheme 2023. Collection method: clinical testing. Allele origin: germline.

Labcorp Genetics (formerly Invitae), Labcorp
Classification: Uncertain significance for Congenital myasthenic syndrome 5. Last evaluated: 2022-12-02. Review status: criteria provided, single submitter. Criteria: Invitae Variant Classification Sherloc (09022015). Collection method: clinical testing. Allele origin: germline.
Comment: In summary, the available evidence is currently insufficient to determine the role of this variant in disease. Therefore, it has been classified as a Variant of Uncertain Significance. Algorithms developed to predict the effect of missense changes on protein structure and function (SIFT, PolyPhen-2, Align-GVGD) all suggest that this variant is likely to be tolerated. ClinVar contains an entry for this variant (Variation ID: 901738). This variant has not been reported in the literature in individuals affected with COLQ-related conditions. This variant is present in population databases (rs374642884, gnomAD 0.006%). This sequence change replaces proline, which is neutral and non-polar, with leucine, which is neutral and non-polar, at codon 24 of the COLQ protein (p.Pro24Leu).

Illumina Laboratory Services, Illumina
Classification: Uncertain significance for Congenital myasthenic syndrome 5. Last evaluated: 2018-01-13. Review status: criteria provided, single submitter. Criteria: ICSL Variant Classification Criteria 13 December 2019. Collection method: clinical testing. Allele origin: germline.

NM_005677.4(COLQ):c.71C>T (p.Pro24Leu)

Gene: COLQ (collagen like tail subunit of asymmetric acetylcholinesterase; minus strand). Cytogenetic location: 3p25.1.
Variant type: single nucleotide variant.
Coding change: c.71C>T on transcript NM_005677.4 (MANE Select); coding-DNA position 71, C replaced by T.
Protein change: p.Pro24Leu; replaces proline 24 with leucine.
Molecular consequence: missense variant.
Genome position (GRCh38, 1-based): chr3:15,521,555, G>A on the plus strand (C>T on the coding strand, the complement: COLQ is on the minus strand). VCF-style: chr3-15521555-G-A. GRCh37 (hg19) VCF-style: chr3-15563062-G-A.
Other names: c.71C>T, p.Pro24Leu (NM_080539.4); short protein forms P24L.
Identifiers: ClinVar variation 901738 (VCV000901738.8), dbSNP rs374642884, ClinGen allele CA2276392.